The following is an entry in ClinVar:

ClinVar aggregate classification (germline): Uncertain significance (1 of 4 stars; one submission).

Conditions:
Inborn genetic diseases. Identifiers: MedGen C0950123, MeSH D030342.

gnomAD v4.1: 2 of 1,613,984 alleles (0.00012%); highest among the groups gnomAD compares: Non-Finnish European, 0.000085%; no homozygotes.

Submission:

Ambry Genetics
Classification: Uncertain significance for Inborn genetic diseases. Last evaluated: 2025-03-22. Review status: criteria provided, single submitter. Criteria: Ambry Variant Classification Scheme 2023. Collection method: clinical testing. Allele origin: germline.
Comment: The p.A102G variant (also known as c.305C>G), located in coding exon 4 of the FANCA gene, results from a C to G substitution at nucleotide position 305. The alanine at codon 102 is replaced by glycine, an amino acid with similar properties. This amino acid position is conserved. In addition, the in silico prediction for this alteration is inconclusive. Based on the available evidence, the clinical significance of this variant remains unclear.

NM_000135.4(FANCA):c.305C>G (p.Ala102Gly)

Gene: FANCA (FA complementation group A; minus strand). Cytogenetic location: 16q24.3.
Variant type: single nucleotide variant.
Coding change: c.305C>G on transcript NM_000135.4 (MANE Select); coding-DNA position 305, C replaced by G.
Protein change: p.Ala102Gly; replaces alanine 102 with glycine.
Molecular consequence: missense variant.
Genome position (GRCh38, 1-based): chr16:89,811,050, G>C on the plus strand (C>G on the coding strand, the complement: FANCA is on the minus strand). VCF-style: chr16-89811050-G-C. GRCh37 (hg19) VCF-style: chr16-89877458-G-C.
Other names: c.305C>G, p.Ala102Gly (NM_001018112.3, NM_001286167.3, NM_001351830.2); short protein forms A102G.
Identifiers: ClinVar variation 4022101 (VCV004022101.1).
Genomic context (GRCh38, chr16:89,811,050, plus strand): 5'-CCCACGCTAGAGGCAACCATCCCGGCTGAGAGAATACCCACGGGAACCCCCAGCCTTGAG[G>C]CTTGATCCTGCAAAGCAGAGCCTTAAACACAAAACAAAACCATAGCTTTCTCTTAACACA-3'
Protein context (NP_000126.2, residues 92-112): SFIGSALQDQ[Ala102Gly]SRLGVPVGIL